The following is an entry in ClinVar:

ClinVar aggregate classification (germline): Uncertain significance. Review status: criteria provided, multiple submitters, no conflicts (2 of 4 stars). 4 submissions from 4 submitters: Uncertain significance (4). Last evaluated 2026-09-01.

Conditions:
Episodic ataxia type 2 (EA2). Also called: ACETAZOLAMIDE-RESPONSIVE HEREDITARY PAROXYSMAL CEREBELLAR ATAXIA; ATAXIA, EPISODIC, WITH NYSTAGMUS; ATAXIA, FAMILIAL PAROXYSMAL; CEREBELLAR ATAXIA, PAROXYSMAL, ACETAZOLAMIDE-RESPONSIVE; CEREBELLOPATHY, HEREDITARY PAROXYSMAL; EPISODIC ATAXIA, NYSTAGMUS-ASSOCIATED. Identifiers: Orphanet 97, MedGen C1720416, MONDO:0007163, OMIM 108500.
Developmental and epileptic encephalopathy, 42 (DEE42A). Also called: DEVELOPMENTAL AND EPILEPTIC ENCEPHALOPATHY 42A; EPILEPTIC ENCEPHALOPATHY, EARLY INFANTILE, 42A; Epileptic encephalopathy, early infantile, 42. Identifiers: MedGen C4310716, MONDO:0014917, OMIM 617106.

Allele frequency attached by ClinVar (database versions not stated): gnomAD exomes below 0.00001; TOPMed below 0.00001; gnomAD 0.00001.
gnomAD v4.1: 3 of 1,612,518 alleles (0.00019%); highest among the groups gnomAD compares: Non-Finnish European, 0.00025%; no homozygotes.

Submissions (4):

CeGaT Center for Human Genetics Tuebingen
Classification: Uncertain significance. Last evaluated: 2026-09-01. Review status: criteria provided, single submitter. Criteria: CeGaT Center For Human Genetics Tuebingen Variant Classification Criteria Version 2. Collection method: clinical testing. Allele origin: germline. Affected: yes. Observed: 1 variant allele.
Comment: CACNA1A: PM2

Labcorp Genetics (formerly Invitae), Labcorp
Classification: Uncertain significance for Developmental and epileptic encephalopathy, 42; Episodic ataxia type 2. Last evaluated: 2025-06-22. Review status: criteria provided, single submitter. Criteria: Invitae Variant Classification Sherloc (09022015). Collection method: clinical testing. Allele origin: germline.
Comment: This sequence change replaces glycine, which is neutral and non-polar, with arginine, which is basic and polar, at codon 1913 of the CACNA1A protein (p.Gly1913Arg). This variant is not present in population databases (gnomAD no frequency). This variant has not been reported in the literature in individuals affected with CACNA1A-related conditions. ClinVar contains an entry for this variant (Variation ID: 942358). An algorithm developed to predict the effect of missense changes on protein structure and function (PolyPhen-2) suggests that this variant is likely to be disruptive. In summary, the available evidence is currently insufficient to determine the role of this variant in disease. Therefore, it has been classified as a Variant of Uncertain Significance.

Women's Health and Genetics/Laboratory Corporation of America, LabCorp
Classification: Uncertain significance. Last evaluated: 2024-03-11. Review status: criteria provided, single submitter. Criteria: LabCorp Variant Classification Summary - May 2015. Collection method: clinical testing. Allele origin: germline.
Comment: Variant summary: CACNA1A c.5737G>A (p.Gly1913Arg) results in a non-conservative amino acid change located in the Voltage-dependent calcium channel, alpha-1 subunit, IQ domain (IPR014873) of the encoded protein sequence. Three of five in-silico tools predict a damaging effect of the variant on protein function. The variant was absent in 246996 control chromosomes (gnomAD). The available data on variant occurrences in the general population are insufficient to allow any conclusion about variant significance. To our knowledge, no occurrence of c.5737G>A in individuals affected with Epileptic Encephalopathy, Early Infantile, 42 and no experimental evidence demonstrating its impact on protein function have been reported. ClinVar contains an entry for this variant (Variation ID: 942358). Based on the evidence outlined above, the variant was classified as uncertain significance.

Blueprint Genetics
Classification: Uncertain significance. Last evaluated: 2023-12-11. Review status: criteria provided, single submitter. Criteria: ACMG Guidelines, 2015. Collection method: clinical testing. Allele origin: germline.

NM_001127222.2(CACNA1A):c.5734G>A (p.Gly1912Arg)

Gene: CACNA1A (calcium voltage-gated channel subunit alpha1 A; minus strand). Cytogenetic location: 19p13.13.
Variant type: single nucleotide variant.
Coding change: c.5734G>A on transcript NM_001127222.2 (MANE Select); coding-DNA position 5734, G replaced by A.
Protein change: p.Gly1912Arg; replaces glycine 1912 with arginine.
Molecular consequence: missense variant.
Genome position (GRCh38, 1-based): chr19:13,214,606, C>T on the plus strand (G>A on the coding strand, the complement: CACNA1A is on the minus strand). VCF-style: chr19-13214606-C-T. GRCh37 (hg19) VCF-style: chr19-13325420-C-T.
Other names: c.5752G>A, p.Gly1918Arg (NM_000068.4, NM_023035.3); c.5737G>A, p.Gly1913Arg (NM_001127221.2); c.5743G>A, p.Gly1915Arg (NM_001174080.2); short protein forms G1912R, G1913R, G1918R, G1915R.
Identifiers: ClinVar variation 942358 (VCV000942358.14), dbSNP rs966699696, ClinGen allele CA305552612.
Genomic context (GRCh38, chr19:13,214,606, plus strand): 5'-TGGGCCAAATCGCCATCATCTCCTTCCGCAGCTCAGCGTCCATCTGCTGTTTGTCGGCTC[C>T]TCCTGCAATGGGGGTGTAGACAGACCCTGACTGCCTGCCTGGGTGTCAGCTGGACTCTGG-3'
Protein context (NP_001120694.1, residues 1902-1922): TALDIKIAKG[Gly1912Arg]ADKQQMDAEL